The following is an entry in ClinVar:

ClinVar aggregate classification (germline): Uncertain significance (1 of 4 stars; one submission).

gnomAD v4.1: 3 of 1,614,028 alleles (0.00019%); highest among the groups gnomAD compares: Non-Finnish European, 0.00025%; no homozygotes.

Submission:

Labcorp Genetics (formerly Invitae), Labcorp
Classification: Uncertain significance. Last evaluated: 2022-08-24. Review status: criteria provided, single submitter. Criteria: Invitae Variant Classification Sherloc (09022015). Collection method: clinical testing. Allele origin: germline.
Comment: This sequence change replaces threonine, which is neutral and polar, with isoleucine, which is neutral and non-polar, at codon 39 of the SLC10A2 protein (p.Thr39Ile). This variant is not present in population databases (gnomAD no frequency). This variant has not been reported in the literature in individuals affected with SLC10A2-related conditions. Algorithms developed to predict the effect of missense changes on protein structure and function are either unavailable or do not agree on the potential impact of this missense change (SIFT: "Deleterious"; PolyPhen-2: "Probably Damaging"; Align-GVGD: "Class C15"). In summary, the available evidence is currently insufficient to determine the role of this variant in disease. Therefore, it has been classified as a Variant of Uncertain Significance.

NM_000452.3(SLC10A2):c.116C>T (p.Thr39Ile)

Gene: SLC10A2 (solute carrier family 10 member 2; minus strand). Cytogenetic location: 13q33.1.
Variant type: single nucleotide variant.
Coding change: c.116C>T on transcript NM_000452.3 (MANE Select); coding-DNA position 116, C replaced by T.
Protein change: p.Thr39Ile; replaces threonine 39 with isoleucine.
Molecular consequence: missense variant.
Genome position (GRCh38, 1-based): chr13:103,066,134, G>A on the plus strand (C>T on the coding strand, the complement: SLC10A2 is on the minus strand). VCF-style: chr13-103066134-G-A. GRCh37 (hg19) VCF-style: chr13-103718484-G-A.
Other names: short protein forms T39I.
Identifiers: ClinVar variation 2026990 (VCV002026990.4), dbSNP rs2501427712, ClinGen allele CA388609461.
Genomic context (GRCh38, chr13:103,066,134, plus strand): 5'-AGAAATTTCTTGATTTCCACGTTGCATCCCATGGAGAACATCACCAAGGCCAACAGGATG[G>A]TCAGCACCGTACTTAGGACCACACTTAGGATGTTATTGAAATTGCTCTCAGGTACCACAC-3'
Protein context (NP_000443.2, residues 29-49): ILSVVLSTVL[Thr39Ile]ILLALVMFSM